The following is an entry in ClinVar:

NM_003504.5(CDC45):c.326_329dup (p.Asn111fs)

Gene: CDC45 (cell division cycle 45; plus strand). Cytogenetic location: 22q11.21.
Variant type: Microsatellite.
Coding change: c.326_329dup on transcript NM_003504.5 (MANE Select); coding-DNA positions 326 to 329, 4 bases duplicated (TATA; older notation c.326_329dupTATA).
Protein change: p.Asn111fs; shifts the reading frame from asparagine 111.
Molecular consequence: frameshift variant. On other transcripts: non-coding transcript variant (1), intron variant (1).
Genome position (GRCh38, 1-based): chr22:19,482,811-19,482,814, TATA duplicated. VCF-style (leftmost placement, unchanged base first): chr22-19482810-G-GTATA. GRCh37 (hg19) VCF-style: chr22-19470333-G-GTATA.
Other names: c.290_293dup, p.Asn99fs (NM_001369291.1); c.205-1051TA[4] (NM_001178011.2); c.326_329dup, p.Asn111fs (NM_001178010.2); short protein forms N111fs, N99fs.
Identifiers: ClinVar variation 619950 (VCV000619950.3), dbSNP rs752023208, ClinGen allele CA10101002.

ClinVar aggregate classification (germline): Pathogenic. Review status: criteria provided, multiple submitters, no conflicts (2 of 4 stars). 2 submissions from 2 submitters: Pathogenic (2). Last evaluated 2018-06-08.

Conditions:
Meier-Gorlin syndrome 7. Identifiers: Orphanet 2554, MedGen C4310738, MONDO:0014894, OMIM 617063. Disease mechanism: loss of function.

Submissions (2):

Genetics Service, Department of Paediatrics, KK Women's and Children's Hospital
Classification: Pathogenic for Meier-Gorlin syndrome 7. Last evaluated: 2018-06-08. Review status: criteria provided, single submitter. Criteria: ACMG Guidelines, 2015. Collection method: research. Allele origin: paternal. Inheritance: Autosomal recessive inheritance. Affected: yes.

Baylor Genetics
Classification: Pathogenic for Meier-Gorlin syndrome 7. Last evaluated: 2018-03-19. Review status: criteria provided, single submitter. Criteria: ACMG Guidelines, 2015. Collection method: clinical testing. Allele origin: maternal. Affected: yes.
Comment: This variant was determined to be pathogenic according to ACMG Guidelines, 2015 [PMID:25741868].